The following is an entry in ClinVar:

ClinVar aggregate classification (germline): Conflicting classifications of pathogenicity. Review status: criteria provided, conflicting classifications (1 of 4 stars). 6 submissions from 6 submitters: Uncertain significance (5); Likely benign (1). Last evaluated 2024-09-29.

Conditions:
BRCA1-related cancer predisposition. Identifiers: MedGen CN377757, MONDO:0700268.
Hereditary cancer-predisposing syndrome. Also called: Hereditary Cancer Syndrome; Neoplastic Syndromes, Hereditary; Tumor predisposition; Hereditary neoplastic syndrome. Identifiers: Orphanet 140162, MedGen C0027672, MeSH D009386, MONDO:0015356.
Hereditary breast ovarian cancer syndrome. Also called: Hereditary breast and ovarian cancer syndrome; Hereditary breast and ovarian cancer; Hereditary breast and ovarian cancer syndrome (HBOC); Breast and ovarian cancer; Hereditary breast and/or ovarian cancer syndrome; BRCA1- and BRCA2-Associated Hereditary Breast and Ovarian Cancer. Identifiers: Orphanet 145, MedGen C0677776, MeSH D061325, MONDO:0003582. Disease mechanism: loss of function.

Allele frequency attached by ClinVar (database versions not stated): gnomAD exomes below 0.00001; ExAC 0.00001.
gnomAD v4.1: 1 of 1,614,162 alleles (0.000062%); highest among the groups gnomAD compares: Admixed American, 0.0017%; no homozygotes.

Submissions (6):

Labcorp Genetics (formerly Invitae), Labcorp
Classification: Uncertain significance for Hereditary breast ovarian cancer syndrome. Last evaluated: 2024-09-29. Review status: criteria provided, single submitter. Criteria: Invitae Variant Classification Sherloc (09022015). Collection method: clinical testing. Allele origin: germline.
Comment: This sequence change replaces lysine, which is basic and polar, with arginine, which is basic and polar, at codon 947 of the BRCA1 protein (p.Lys947Arg). The frequency data for this variant in the population databases is considered unreliable, as metrics indicate poor data quality at this position in the gnomAD database. This variant has not been reported in the literature in individuals affected with BRCA1-related conditions. ClinVar contains an entry for this variant (Variation ID: 481455). Invitae Evidence Modeling of protein sequence and biophysical properties (such as structural, functional, and spatial information, amino acid conservation, physicochemical variation, residue mobility, and thermodynamic stability) indicates that this missense variant is not expected to disrupt BRCA1 protein function with a negative predictive value of 95%. In summary, the available evidence is currently insufficient to determine the role of this variant in disease. Therefore, it has been classified as a Variant of Uncertain Significance.

All of Us Research Program, National Institutes of Health
Classification: Uncertain significance for BRCA1-related cancer predisposition. Last evaluated: 2024-09-23. Review status: criteria provided, single submitter. Criteria: ACMG Guidelines, 2015. Collection method: clinical testing. Allele origin: germline. Inheritance: Autosomal dominant inheritance. Observed: 2 variant alleles, 2 heterozygotes.
Comment: This missense variant replaces lysine with arginine at codon 947 of the BRCA1 protein. Computational prediction suggests that this variant may not impact protein structure and function (internally defined REVEL score threshold <= 0.5, PMID: 27666373). To our knowledge, functional studies have not been reported for this variant. This variant has not been reported in individuals affected with BRCA1-related disorders in the literature. This variant has been identified in 1/251322 chromosomes in the general population by the Genome Aggregation Database (gnomAD). The available evidence is insufficient to determine the role of this variant in disease conclusively. Therefore, this variant is classified as a Variant of Uncertain Significance.

This study involves interpretation of variants in research participants for the purpose of population health screening. Participant phenotype was not available at the time of variant classification. Additional details can be found in publication PMID: 35346344, PMCID: PMC8962531

Quest Diagnostics Nichols Institute San Juan Capistrano
Classification: Uncertain significance. Last evaluated: 2024-04-10. Review status: criteria provided, single submitter. Criteria: Quest Diagnostics criteria. Collection method: clinical testing. Allele origin: unknown.
Comment: The BRCA1 c.2840A>G (p.Lys947Arg) variant has been reported in the published literature to be located in a region of the BRCA1 gene that is tolerant to missense sequence changes (PMID: 31911673 (2020)) and is predicted to be benign based on multifactorial likelihood analysis (PMID: 31853058 (2020)). To the best of our knowledge, this variant has not been reported in individuals with BRCA1-related disorders. The frequency of this variant in the general population, 0.000004 (1/251322 chromosomes (Genome Aggregation Database)), is uninformative in the assessment of its pathogenicity. Analysis of this variant using bioinformatics tools for the prediction of the effect of amino acid changes on protein structure and function yielded predictions that this variant is benign. Based on the available information, we are unable to determine the clinical significance of this variant.

Color Diagnostics, LLC DBA Color Health
Classification: Uncertain significance for Hereditary cancer-predisposing syndrome. Last evaluated: 2023-03-31. Review status: criteria provided, single submitter. Criteria: ACMG Guidelines, 2015. Collection method: clinical testing. Allele origin: germline.
Comment: This missense variant replaces lysine with arginine at codon 947 of the BRCA1 protein. Computational prediction suggests that this variant may not impact protein structure and function (internally defined REVEL score threshold <= 0.5, PMID: 27666373). To our knowledge, functional studies have not been reported for this variant. This variant has not been reported in individuals affected with BRCA1-related disorders in the literature. This variant has been identified in 1/251322 chromosomes in the general population by the Genome Aggregation Database (gnomAD). The available evidence is insufficient to determine the role of this variant in disease conclusively. Therefore, this variant is classified as a Variant of Uncertain Significance.

University of Washington Department of Laboratory Medicine, University of Washington
Classification: Likely benign for Hereditary cancer-predisposing syndrome. Last evaluated: 2023-03-23. Review status: criteria provided, single submitter. Criteria: Dines et al. (Genet Med. 2020). Collection method: curation. Allele origin: germline.
Comment: Missense variant in a coldspot region where missense variants are very unlikely to be pathogenic (PMID:31911673).

BRCA1 coldspot (exon 11 using historical exon numbering). Reclassification based on statistical prior probability

Ambry Genetics
Classification: Uncertain significance for Hereditary cancer-predisposing syndrome. Last evaluated: 2016-07-07. Review status: criteria provided, single submitter. Criteria: Ambry Variant Classification Scheme 2023. Collection method: clinical testing. Allele origin: germline.
Comment: The p.K947R variant (also known as c.2840A>G), located in coding exon 9 of the BRCA1 gene, results from an A to G substitution at nucleotide position 2840. The lysine at codon 947 is replaced by arginine, an amino acid with highly similar properties. This variant was not reported in population based cohorts in the following databases: Database of Single Nucleotide Polymorphisms (dbSNP), NHLBI Exome Sequencing Project (ESP), and 1000 Genomes Project. In the ESP, this variant was not observed in 6503 samples (13006 alleles) with coverage at this position. To date, this alteration has been detected with an allele frequency of approximately 0.0003% (greater than 300000 alleles tested) in our clinical cohort. This amino acid position is not well conserved in available vertebrate species. In addition, this alteration is predicted to be tolerated by in silico analysis. Since supporting evidence is limited at this time, the clinical significance of this alteration remains unclear.

Literature cited by the submitters: PubMed 30630528 (cited by Quest Diagnostics Nichols Institute San Juan Capistrano); PubMed 31853058 (cited by Quest Diagnostics Nichols Institute San Juan Capistrano); PubMed 31911673 (cited by Quest Diagnostics Nichols Institute San Juan Capistrano).

NM_007294.4(BRCA1):c.2840A>G (p.Lys947Arg)

Gene: BRCA1 (BRCA1 DNA repair associated; minus strand). Cytogenetic location: 17q21.31.
Variant type: single nucleotide variant.
Coding change: c.2840A>G on transcript NM_007294.4 (MANE Select); coding-DNA position 2840, A replaced by G.
Protein change: p.Lys947Arg; replaces lysine 947 with arginine.
Molecular consequence: missense variant. On other transcripts: intron variant (137).
Genome position (GRCh38, 1-based): chr17:43,092,691, T>C on the plus strand (A>G on the coding strand, the complement: BRCA1 is on the minus strand). VCF-style: chr17-43092691-T-C. GRCh37 (hg19) VCF-style: chr17-41244708-T-C.
Other names: c.2837A>G, p.Lys946Arg (NM_001407611.1, NM_001407612.1, NM_001407613.1 and 22 more transcripts); c.2840A>G, p.Lys947Arg (NM_001407616.1, NM_001407617.1, NM_001407618.1 and 30 more transcripts); c.2831A>G, p.Lys944Arg (NM_001407646.1, NM_001407647.1); c.2717A>G, p.Lys906Arg (NM_001407648.1, NM_001407664.1, NM_001407665.1 and 19 more transcripts); c.2714A>G, p.Lys905Arg (NM_001407649.1, NM_001407670.1, NM_001407671.1 and 11 more transcripts); c.2762A>G, p.Lys921Arg (NM_001407653.1, NM_001407654.1, NM_001407655.1 and 4 more transcripts); c.2759A>G, p.Lys920Arg (NM_001407659.1, NM_001407660.1, NM_001407661.1 and 1 more transcripts); c.2699A>G, p.Lys900Arg (NM_001407692.1, NM_001407694.1, NM_001407695.1 and 29 more transcripts); and 41 more; short protein forms K947R, K900R, K819R, K836R, K920R, K944R, K835R, K858R.
Identifiers: ClinVar variation 481455 (VCV000481455.25), dbSNP rs778118145, ClinGen allele CA058260.